The following is an entry in ClinVar:

ClinVar aggregate classification (germline): Pathogenic. Review status: criteria provided, single submitter (1 of 4 stars). 2 submissions from 2 submitters: Pathogenic (1). 1 of the submissions does not count toward it. Last evaluated 2024-05-28.

Conditions:
Ehlers-Danlos syndrome, type 4 (EDSVASC). Also called: Ehlers-Danlos syndrome vascular type; Ehlers Danlos syndrome, ecchymotic type; Ehlers Danlos syndrome, arterial type; Ehlers Danlos syndrome, Sack-Barabas type; Ehlers-Danlos Syndrome Type IV. Identifiers: Orphanet 286, MedGen C0268338, MONDO:0017314, OMIM 130050.

Submissions (2):

Labcorp Genetics (formerly Invitae), Labcorp
Classification: Pathogenic for Ehlers-Danlos syndrome, type 4. Last evaluated: 2024-05-28. Review status: criteria provided, single submitter. Criteria: Invitae Variant Classification Sherloc (09022015). Collection method: clinical testing. Allele origin: germline.
Comment: This sequence change replaces glycine, which is neutral and non-polar, with arginine, which is basic and polar, at codon 444 of the COL3A1 protein (p.Gly444Arg). This variant is not present in population databases (gnomAD no frequency). This missense change has been observed in individuals with vascular Ehlers-Danlos syndrome (PMID: 10706896, 20518783). This variant is also known as G277R. ClinVar contains an entry for this variant (Variation ID: 101329). Advanced modeling of protein sequence and biophysical properties (such as structural, functional, and spatial information, amino acid conservation, physicochemical variation, residue mobility, and thermodynamic stability) performed at Invitae indicates that this missense variant is expected to disrupt COL3A1 protein function with a positive predictive value of 95%. This variant disrupts the triple helix domain of COL3A1. Glycine residues within the Gly-Xaa-Yaa repeats of the triple helix domain are required for the structure and stability of fibrillar collagens (PMID: 7695699, 8218237, 19344236). In COL3A1, variants that affect these glycine residues are significantly enriched in individuals with disease (PMID: 24922459, 25758994) compared to the general population (ExAC). For these reasons, this variant has been classified as Pathogenic.

Collagen Diagnostic Laboratory, University of Washington
Classification: Pathogenic for Ehlers-Danlos syndrome, type 4. Review status: no assertion criteria provided. Collection method: clinical testing. Allele origin: germline. Affected: yes. Not counted in ClinVar's aggregate classification.

Literature cited by the submitters: PubMed 10706896 (cited by Labcorp Genetics (formerly Invitae), Labcorp); PubMed 20518783 (cited by Labcorp Genetics (formerly Invitae), Labcorp); PubMed 7695699 (cited by Labcorp Genetics (formerly Invitae), Labcorp); PubMed 8218237 (cited by Labcorp Genetics (formerly Invitae), Labcorp); PubMed 19344236 (cited by Labcorp Genetics (formerly Invitae), Labcorp); PubMed 24922459 (cited by Labcorp Genetics (formerly Invitae), Labcorp); PubMed 25758994 (cited by Labcorp Genetics (formerly Invitae), Labcorp).

NM_000090.4(COL3A1):c.1330G>C (p.Gly444Arg)

Gene: COL3A1 (collagen type III alpha 1 chain; plus strand). Cytogenetic location: 2q32.2.
Variant type: single nucleotide variant.
Coding change: c.1330G>C on transcript NM_000090.4 (MANE Select); coding-DNA position 1330, G replaced by C.
Protein change: p.Gly444Arg; replaces glycine 444 with arginine.
Molecular consequence: missense variant.
Genome position (GRCh38, 1-based): chr2:188,994,577, G>C. VCF-style: chr2-188994577-G-C. GRCh37 (hg19) VCF-style: chr2-189859303-G-C.
Identifiers: ClinVar variation 101329 (VCV000101329.11), dbSNP rs587779489, ClinGen allele CA004230.